The following is an entry in ClinVar:

NM_012213.3(MLYCD):c.641+4_641+7del

Gene: MLYCD (malonyl-CoA decarboxylase; plus strand). Cytogenetic location: 16q23.3.
Variant type: Microsatellite.
Coding change: c.641+4_641+7del on transcript NM_012213.3 (MANE Select); bases 4 to 7 of the intron after coding-DNA position 641, 4 bases deleted (AGTA; older notation c.641+4_641+7delAGTA).
Molecular consequence: splice donor variant.
Genome position (GRCh38, 1-based): chr16:83,907,103-83,907,106, AGTA deleted; deleting any 4 consecutive bases within chr16:83,907,099-83,907,106 gives the same sequence; the c. name uses the placement nearest the transcript's 3' end. VCF-style (leftmost placement, unchanged base first): chr16-83907098-GAGTA-G. GRCh37 (hg19) VCF-style: chr16-83940703-GAGTA-G.
Other names: c.641+4_641+7delAGTA (NM_012213.3).
Identifiers: ClinVar variation 3385211 (VCV003385211.1).

ClinVar aggregate classification (germline): Uncertain significance (1 of 4 stars; one submission).

Submission:

Women's Health and Genetics/Laboratory Corporation of America, LabCorp
Classification: Uncertain significance. Last evaluated: 2024-10-18. Review status: criteria provided, single submitter. Criteria: LabCorp Variant Classification Summary - May 2015. Collection method: clinical testing. Allele origin: germline.
Comment: Variant summary: MLYCD c.641+4_641+7delAGTA alters a conserved nucleotide located close to a canonical splice site and therefore could affect mRNA splicing, leading to a significantly altered protein sequence. Several computational tools predict a significant impact on normal splicing: Four predict the variant abolishes a 5' splicing donor site. However, these predictions have yet to be confirmed by functional studies. The variant was absent in 249548 control chromosomes (gnomAD). c.641+4_641+7delAGTA has been reported in the literature in at least one homozygous individual affected with Deficiency of malonyl-CoA decarboxylase (Chapel-Crespo_2019). These data indicate that the variant may be associated with disease. To our knowledge, no experimental evidence demonstrating an impact on protein function has been reported. The following publications have been ascertained in the context of this evaluation (PMID: 31395333, 37979716, 34884438). No submitters have cited clinical-significance assessments for this variant to ClinVar. Based on the evidence outlined above, the variant was classified as VUS-possibly pathogenic.

Literature cited by the submitters: PubMed 31395333; PubMed 37979716; PubMed 34884438.